The following is an entry in ClinVar:

ClinVar aggregate classification (germline): Uncertain significance (1 of 4 stars; one submission).

Conditions:
Neuropathy, hereditary sensory and autonomic, type 2A (HSAN2A). Also called: ACROOSTEOLYSIS, GIACCAI TYPE; ACROOSTEOLYSIS, NEUROGENIC; MORVAN DISEASE; NEUROPATHY, CONGENITAL SENSORY; NEUROPATHY, HEREDITARY SENSORY RADICULAR, AUTOSOMAL RECESSIVE; NEUROPATHY, HEREDITARY SENSORY, TYPE IIA. Identifiers: Orphanet 970, MedGen C2752089, MONDO:0024309, OMIM 201300.
Pseudohypoaldosteronism type 2C (PHA2C). Also called: Pseudohypoaldosteronism Type IIC. Identifiers: Orphanet 757, Orphanet 88940, MedGen C1840391, MONDO:0013778, OMIM 614492.

Allele frequency attached by ClinVar (database versions not stated): gnomAD exomes below 0.00001; TOPMed below 0.00001.
gnomAD v4.1: 4 of 1,612,222 alleles (0.00025%); highest among the groups gnomAD compares: African/African-American, 0.0027%; no homozygotes.

Submission:

Labcorp Genetics (formerly Invitae), Labcorp
Classification: Uncertain significance for Neuropathy, hereditary sensory and autonomic, type 2A; Pseudohypoaldosteronism type 2C. Last evaluated: 2021-10-19. Review status: criteria provided, single submitter. Criteria: Invitae Variant Classification Sherloc (09022015). Collection method: clinical testing. Allele origin: germline.
Comment: In summary, the available evidence is currently insufficient to determine the role of this variant in disease. Therefore, it has been classified as a Variant of Uncertain Significance. Advanced modeling of protein sequence and biophysical properties (such as structural, functional, and spatial information, amino acid conservation, physicochemical variation, residue mobility, and thermodynamic stability) performed at Invitae indicates that this missense variant is not expected to disrupt WNK1 protein function. This variant has not been reported in the literature in individuals affected with WNK1-related conditions. This variant is not present in population databases (ExAC no frequency). This sequence change replaces methionine with valine at codon 61 of the WNK1 protein (p.Met61Val). The methionine residue is highly conserved and there is a small physicochemical difference between methionine and valine.

NM_018979.4(WNK1):c.181A>G (p.Met61Val)

Gene: WNK1 (WNK lysine deficient protein kinase 1; plus strand). Cytogenetic location: 12p13.33.
Variant type: single nucleotide variant.
Coding change: c.181A>G on transcript NM_018979.4 (MANE Select); coding-DNA position 181, A replaced by G.
Protein change: p.Met61Val; replaces methionine 61 with valine.
Molecular consequence: missense variant.
Genome position (GRCh38, 1-based): chr12:753,746, A>G. VCF-style: chr12-753746-A-G. GRCh37 (hg19) VCF-style: chr12-862912-A-G.
Other names: c.181A>G, p.Met61Val (NM_001184985.2, NM_014823.3, NM_213655.5); short protein forms M61V.
Identifiers: ClinVar variation 1493970 (VCV001493970.6), dbSNP rs1178074889, ClinGen allele CA383304129.